The following is an entry in ClinVar:

ClinVar aggregate classification (germline): Pathogenic/Likely pathogenic. Review status: criteria provided, multiple submitters, no conflicts (2 of 4 stars). 5 submissions from 5 submitters: Pathogenic (2); Likely pathogenic (1). 2 of the submissions do not count toward it. Last evaluated 2026-08-26.

Conditions:
Hereditary cancer-predisposing syndrome. Also called: Neoplastic Syndromes, Hereditary; Hereditary neoplastic syndrome; Hereditary Cancer Syndrome; Tumor predisposition. Identifiers: Orphanet 140162, MedGen C0027672, MeSH D009386, MONDO:0015356.
Hereditary breast ovarian cancer syndrome. Also called: BRCA1- and BRCA2-Associated Hereditary Breast and Ovarian Cancer; Hereditary breast and ovarian cancer syndrome (HBOC); Hereditary breast and ovarian cancer syndrome; Hereditary breast and/or ovarian cancer syndrome; Breast and ovarian cancer; Hereditary breast and ovarian cancer. Identifiers: Orphanet 145, MedGen C0677776, MeSH D061325, MONDO:0003582. Disease mechanism: loss of function.
Breast-ovarian cancer, familial, susceptibility to, 2 (BROVCA2). Also called: BRCA2 Hereditary Breast and Ovarian Cancer. Identifiers: Orphanet 145, MedGen C2675520, MONDO:0012933, OMIM 612555. Disease mechanism: loss of function.

Submissions (5):

Ambry Genetics
Classification: Likely pathogenic for Hereditary cancer-predisposing syndrome. Last evaluated: 2026-08-26. Review status: criteria provided, single submitter. Criteria: Ambry Variant Classification Scheme 2023. Collection method: clinical testing. Allele origin: germline.
Comment: The c.682-1G>C intronic variant results from a G to C substitution one nucleotide upstream from coding exon 8 of the BRCA2 gene. This variant is considered to be rare based on population cohorts in the Genome Aggregation Database (gnomAD). This nucleotide position is highly conserved in available vertebrate species. In silico splice site analysis predicts that this alteration will weaken the native splice acceptor site; however, direct evidence is insufficient at this time (Ambry internal data). Variants that disrupt the canonical splice site are expected to cause aberrant splicing, resulting in an abnormal protein or a transcript that is subject to nonsense-mediated mRNA decay. As such, this variant is classified as likely pathogenic.

Labcorp Genetics (formerly Invitae), Labcorp
Classification: Pathogenic for Hereditary breast ovarian cancer syndrome. Last evaluated: 2023-09-12. Review status: criteria provided, single submitter. Criteria: Invitae Variant Classification Sherloc (09022015). Collection method: clinical testing. Allele origin: germline.
Comment: This sequence change affects an acceptor splice site in intron 8 of the BRCA2 gene. RNA analysis indicates that disruption of this splice site induces altered splicing and may result in an absent or disrupted protein product. This variant is not present in population databases (gnomAD no frequency). Disruption of this splice site has been observed in individual(s) with breast cancer, lymphoma, male breast cancer, and/or ovarian cancer (PMID: 22977638, 24123850, 29176636). ClinVar contains an entry for this variant (Variation ID: 52198). Studies have shown that disruption of this splice site alters mRNA splicing and is expected to lead to the loss of protein expression (PMID: 24123850, 30883759). For these reasons, this variant has been classified as Pathogenic.

Quest Diagnostics Nichols Institute San Juan Capistrano
Classification: Pathogenic. Last evaluated: 2018-06-21. Review status: criteria provided, single submitter. Criteria: Quest Diagnostics criteria. Collection method: clinical testing. Allele origin: germline.

Research Molecular Genetics Laboratory, Women's College Hospital, University of Toronto
Classification: Pathogenic for Hereditary breast ovarian cancer syndrome. Last evaluated: 2014-01-31. Review status: no assertion criteria provided. Collection method: research. Allele origin: germline. Affected: yes. Study: The Canadian Open Genetics Repository (COGR). Not counted in ClinVar's aggregate classification.

Breast Cancer Information Core (BIC) (BRCA2)
Classification: Pathogenic for Breast-ovarian cancer, familial 2. Last evaluated: 2004-02-20. Review status: no assertion criteria provided. Collection method: clinical testing. Allele origin: germline. Affected: yes. Observed: 2 variant alleles. Not counted in ClinVar's aggregate classification.

Literature cited by the submitters: PubMed 21523855 (cited by Ambry Genetics); PubMed 22977638 (cited by Ambry Genetics and Labcorp Genetics (formerly Invitae), Labcorp); PubMed 24123850 (cited by Labcorp Genetics (formerly Invitae), Labcorp); PubMed 29176636 (cited by Labcorp Genetics (formerly Invitae), Labcorp); PubMed 30883759 (cited by Labcorp Genetics (formerly Invitae), Labcorp).

NM_000059.4(BRCA2):c.682-1G>C

Gene: BRCA2 (BRCA2 DNA repair associated; plus strand). Cytogenetic location: 13q13.1.
Variant type: single nucleotide variant.
Coding change: c.682-1G>C on transcript NM_000059.4 (MANE Select); the canonical splice acceptor site of the intron before coding-DNA position 682, G replaced by C.
Molecular consequence: splice acceptor variant.
Genome position (GRCh38, 1-based): chr13:32,330,918, G>C. VCF-style: chr13-32330918-G-C. GRCh37 (hg19) VCF-style: chr13-32905055-G-C.
Other names: IVS8-1G>C; c.682-1G>C (NM_001406720.1, NM_001406719.1, NM_001406721.1); c.313-1G>C (NM_001406722.1).
Identifiers: ClinVar variation 52198 (VCV000052198.18), dbSNP rs81002831, ClinGen allele CA024456.